The following is an entry in ClinVar:

ClinVar aggregate classification (germline): Pathogenic. Review status: criteria provided, multiple submitters, no conflicts (2 of 4 stars). 2 submissions from 2 submitters: Pathogenic (2). Last evaluated 2026-07-01.

Conditions:
GAA-related disorders.
Glycogen storage disease, type II (IOPD). Also called: CARDIOMEGALIA GLYCOGENICA DIFFUSA; GLYCOGENOSIS, GENERALIZED, CARDIAC FORM; GSD II; Glycogen storage disease type 2; Acid maltase deficiency disease; Aglucosidase alfa. Identifiers: Orphanet 365, MedGen C0017921, MONDO:0009290, OMIM 232300.

Submissions (2):

Genomenon, Inc
Classification: Pathogenic for Glycogen storage disease, type II. Last evaluated: 2026-07-01. Review status: criteria provided, single submitter. Criteria: Genomenon Sequence Variant Interpretation Standards - Updated. Collection method: curation. Allele origin: germline. Affected: yes.
Comment: GAA p.Ser349ArgfsTer43 (c.1047del) is a frameshift variant that is predicted to introduce a premature termination codon and result in a truncated or absent protein product. This variant has been observed in at least one proband with a GAA-related disorder (PMID:35302691;18505979). It is absent or not present at a significant frequency in gnomAD. In conclusion, we classify GAA p.Ser349ArgfsTer43 (c.1047del) as a pathogenic variant.

Blueprint Genetics
Classification: Pathogenic for GAA-related disorders. Last evaluated: 2024-09-12. Review status: criteria provided, single submitter. Criteria: ACMG Guidelines, 2015. Collection method: clinical testing. Allele origin: germline. Affected: yes. Observed: 1 variant allele.

Literature cited by the submitters: PubMed 35302691 (cited by Genomenon, Inc); PubMed 18505979 (cited by Genomenon, Inc).

NM_000152.5(GAA):c.1047del (p.Ser349fs)

Gene: GAA (alpha glucosidase; plus strand). Cytogenetic location: 17q25.3.
Variant type: Deletion.
Coding change: c.1047del on transcript NM_000152.5 (MANE Select); coding-DNA position 1047, one base deleted (C; older notation c.1047delC).
Protein change: p.Ser349fs; shifts the reading frame from serine 349.
Molecular consequence: frameshift variant.
Genome position (GRCh38, 1-based): chr17:80,108,381, C deleted. VCF-style (leftmost placement, unchanged base first): chr17-80108380-GC-G. GRCh37 (hg19) VCF-style: chr17-78082179-GC-G.
Other names: c.1047del, p.Ser349fs (NM_001079803.3, NM_001079804.3, NM_001406741.1 and 1 more transcripts); short protein forms S349fs.
Identifiers: ClinVar variation 4876681 (VCV004876681.2).
Genomic context (GRCh38, chr17:80,108,380, plus strand): 5'-GCTGGAGGTCGACAGGTGGGATCCTGGATGTCTACATCTTCCTGGGCCCAGAGCCCAAGA[GC>G]GTGGTGCAGCAGTACCTGGACGTTGTGGGTAGGGCCTGCTCCCTGGCCGCGGCCCCCGCC-3'